The following is an entry in ClinVar:

NM_002474.3(MYH11):c.3152A>G (p.Gln1051Arg)

Gene: MYH11 (myosin heavy chain 11; minus strand). Cytogenetic location: 16p13.11.
Variant type: single nucleotide variant.
Coding change: c.3152A>G on transcript NM_002474.3 (MANE Select); coding-DNA position 3152, A replaced by G.
Protein change: p.Gln1051Arg; replaces glutamine 1051 with arginine.
Molecular consequence: missense variant.
Genome position (GRCh38, 1-based): chr16:15,737,590, T>C on the plus strand (A>G on the coding strand, the complement: MYH11 is on the minus strand). VCF-style: chr16-15737590-T-C. GRCh37 (hg19) VCF-style: chr16-15831447-T-C.
Other names: c.3173A>G, p.Gln1058Arg (NM_001040113.2, NM_001040114.2); c.3152A>G, p.Gln1051Arg (NM_022844.3); short protein forms Q1051R, Q1058R.
Identifiers: ClinVar variation 519921 (VCV000519921.13), dbSNP rs1555557294, ClinGen allele CA394863306.

ClinVar aggregate classification (germline): Uncertain significance. Review status: criteria provided, multiple submitters, no conflicts (2 of 4 stars). 5 submissions from 5 submitters: Uncertain significance (5). Last evaluated 2024-03-06.

Conditions:
Familial thoracic aortic aneurysm and aortic dissection (TAAD). Also called: Thoracic aortic aneurysms and dissections. Identifiers: Orphanet 91387, MedGen C4707243, MONDO:0019625.

Allele frequency attached by ClinVar (database versions not stated): TOPMed below 0.00001; gnomAD 0.00001; gnomAD exomes 0.00001.
gnomAD v4.1: 10 of 1,613,512 alleles (0.00062%); highest among the groups gnomAD compares: Non-Finnish European, 0.00085%; no homozygotes.

Submissions (5):

Color Diagnostics, LLC DBA Color Health
Classification: Uncertain significance for Familial thoracic aortic aneurysm and aortic dissection. Last evaluated: 2024-03-06. Review status: criteria provided, single submitter. Criteria: ACMG Guidelines, 2015. Collection method: clinical testing. Allele origin: germline.
Comment: This missense variant replaces glutamine with arginine at codon 1058 of the MYH11 protein. Computational prediction suggests that this variant may have deleterious impact on protein structure and function (internally defined REVEL score threshold >= 0.7, PMID: 27666373). To our knowledge, functional studies have not been reported for this variant. This variant has not been reported in individuals affected with MYH11-related disorders in the literature. This variant has not been identified in the general population by the Genome Aggregation Database (gnomAD). The available evidence is insufficient to determine the role of this variant in disease conclusively. Therefore, this variant is classified as a Variant of Uncertain Significance.

All of Us Research Program, National Institutes of Health
Classification: Uncertain significance for Familial thoracic aortic aneurysm and aortic dissection. Last evaluated: 2023-08-15. Review status: criteria provided, single submitter. Criteria: ACMG Guidelines, 2015. Collection method: clinical testing. Allele origin: germline. Inheritance: Autosomal dominant inheritance. Observed: 2 variant alleles, 2 heterozygotes.
Comment: This missense variant replaces glutamine with arginine at codon 1058 of the MYH11 protein. Computational prediction tools and conservation analyses suggest that this variant may have deleterious impact on the protein function. Computational splicing tools suggest that this variant may not impact RNA splicing. To our knowledge, functional assays have not been performed for this variant nor has this variant been reported in individuals affected with cardiovascular disorders in the literature. This variant has not been identified in the general population by the Genome Aggregation Database (gnomAD). Available evidence is insufficient to determine the role of this variant in disease conclusively. Therefore, this variant is classified as a Variant of Uncertain Significance.

This study involves interpretation of variants in research participants for the purpose of population health screening. Participant phenotype was not available at the time of variant classification. Additional details can be found in publication PMID: 35346344, PMCID: PMC8962531

GeneDx
Classification: Uncertain significance. Last evaluated: 2022-12-16. Review status: criteria provided, single submitter. Criteria: GeneDx Variant Classification Process June 2021. Collection method: clinical testing. Allele origin: germline. Affected: yes.
Comment: Not observed at significant frequency in large population cohorts (gnomAD); In silico analysis supports that this missense variant has a deleterious effect on protein structure/function; Has not been previously published as pathogenic or benign to our knowledge

Women's Health and Genetics/Laboratory Corporation of America, LabCorp
Classification: Uncertain significance. Last evaluated: 2021-02-22. Review status: criteria provided, single submitter. Criteria: LabCorp Variant Classification Summary - May 2015. Collection method: clinical testing. Allele origin: germline.
Comment: Variant summary: MYH11 c.3173A>G (p.Gln1058Arg) results in a conservative amino acid change located in the Myosin tail domain (IPR002928) of the encoded protein sequence. Three of five in-silico tools predict a damaging effect of the variant on protein function. The variant was absent in 250982 control chromosomes (gnomAD). The available data on variant occurrences in the general population are insufficient to allow any conclusion about variant significance. To our knowledge, no occurrence of c.3173A>G in individuals affected with Thoracic Aortic Aneurysms And Dissections and no experimental evidence demonstrating its impact on protein function have been reported. Two clinical diagnostic laboratories have submitted clinical-significance assessments for this variant to ClinVar after 2014 without evidence for independent evaluation. All laboratories classified the variant as uncertain significance. Based on the evidence outlined above, the variant was classified as uncertain significance.

Ambry Genetics
Classification: Uncertain significance for Familial thoracic aortic aneurysm and aortic dissection. Last evaluated: 2017-09-12. Review status: criteria provided, single submitter. Criteria: Ambry Variant Classification Scheme 2023. Collection method: clinical testing. Allele origin: germline.
Comment: The p.Q1051R variant (also known as c.3152A>G), located in coding exon 24 of the MYH11 gene, results from an A to G substitution at nucleotide position 3152. The glutamine at codon 1051 is replaced by arginine, an amino acid with highly similar properties. This amino acid position is highly conserved in available vertebrate species. In addition, the in silico prediction for this alteration is inconclusive. Since supporting evidence is limited at this time, the clinical significance of this alteration remains unclear.